The following is an entry in ClinVar:

NM_001048174.2(MUTYH):c.1055C>T (p.Pro352Leu)

Gene: MUTYH (mutY DNA glycosylase; minus strand). Cytogenetic location: 1p34.1.
Variant type: single nucleotide variant.
Coding change: c.1055C>T on transcript NM_001048174.2 (MANE Select); coding-DNA position 1055, C replaced by T.
Protein change: p.Pro352Leu; replaces proline 352 with leucine.
Molecular consequence: missense variant. On other transcripts: non-coding transcript variant (7).
Genome position (GRCh38, 1-based): chr1:45,331,708, G>A on the plus strand (C>T on the coding strand, the complement: MUTYH is on the minus strand). VCF-style: chr1-45331708-G-A. GRCh37 (hg19) VCF-style: chr1-45797380-G-A.
Other names: c.1055C>T, p.Pro352Leu (NM_001048171.2, NM_001048173.2, NM_001293195.2 and 6 more transcripts); c.1058C>T, p.Pro353Leu (NM_001048172.2, NM_001407071.1, NM_001407078.1 and 1 more transcripts); c.1139C>T, p.Pro380Leu (NM_001128425.2); c.1100C>T, p.Pro367Leu (NM_001293190.2); c.1088C>T, p.Pro363Leu (NM_001293191.2, NM_001407069.1, NM_001407077.1); c.779C>T, p.Pro260Leu (NM_001293192.2, NM_001293196.2, NM_001407091.1); c.710C>T, p.Pro237Leu (NM_001350650.2, NM_001350651.2, NM_001407082.1); c.971C>T, p.Pro324Leu (NM_001407075.1); and 5 more; short protein forms P352L, P363L, P367L, P380L, P237L, P260L, P338L, P339L.
Identifiers: ClinVar variation 4113046 (VCV004113046.1).
Genomic context (GRCh38, chr1:45,331,708, plus strand): 5'-AGTATCCAGGTACCTGAGTTGGGCCTCTGCACCAGCAGAATTTGGGCCCCAAGGGCCCCA[G>A]GCTGTTCCAGAACACAGGTGGCAGAGCTCTCCTCCCTGGGGGGCTTGCGGCTGGCCTTTC-3'
Protein context (NP_001041639.1, residues 342-362): ESSATCVLEQ[Pro352Leu]GALGAQILLV

ClinVar aggregate classification (germline): Uncertain significance (1 of 4 stars; one submission).

Conditions:
Hereditary cancer-predisposing syndrome. Also called: Tumor predisposition; Neoplastic Syndromes, Hereditary; Hereditary neoplastic syndrome; Hereditary Cancer Syndrome. Identifiers: Orphanet 140162, MedGen C0027672, MeSH D009386, MONDO:0015356.

Submission:

Ambry Genetics
Classification: Uncertain significance for Hereditary cancer-predisposing syndrome. Last evaluated: 2025-08-27. Review status: criteria provided, single submitter. Criteria: Ambry Variant Classification Scheme 2023. Collection method: clinical testing. Allele origin: germline.
Comment: The p.P380L variant (also known as c.1139C>T), located in coding exon 12 of the MUTYH gene, results from a C to T substitution at nucleotide position 1139. The proline at codon 380 is replaced by leucine, an amino acid with similar properties. This amino acid position is conserved. In addition, this alteration is predicted to be tolerated by in silico analysis. Based on the available evidence, the clinical significance of this variant remains unclear.